The following is an entry in ClinVar:

ClinVar aggregate classification (germline): Likely benign. Review status: criteria provided, multiple submitters, no conflicts (2 of 4 stars). 3 submissions from 3 submitters: Likely benign (2). 1 of the submissions does not count toward it. Last evaluated 2023-05-31.

Conditions:
BBS2-related disorder. Also called: BBS2-related disorders; BBS2-related condition. Identifiers: MedGen CN239228.
Bardet-Biedl syndrome 2 (BBS2). Identifiers: Orphanet 110, MedGen C2936863, MONDO:0014432, OMIM 615981.
Retinitis pigmentosa 74 (RP74). Identifiers: Orphanet 791, MedGen C4225281, MONDO:0014692, OMIM 616562.
Bardet-Biedl syndrome (BBS). Identifiers: Orphanet 110, MedGen C0752166, MONDO:0015229.

Allele frequency attached by ClinVar (database versions not stated): ExAC 0.00001; gnomAD exomes 0.00001; gnomAD 0.00002 and 0.00003; TOPMed 0.00002; 1000 Genomes Project 30x 0.00016.
gnomAD v4.1: 17 of 1,614,132 alleles (0.0011%); highest among the groups gnomAD compares: Admixed American, 0.015%; 1 homozygote.

Submissions (3):

Labcorp Genetics (formerly Invitae), Labcorp
Classification: Likely benign for Bardet-Biedl syndrome. Last evaluated: 2023-05-31. Review status: criteria provided, single submitter. Criteria: Invitae Variant Classification Sherloc (09022015). Collection method: clinical testing. Allele origin: germline.

Fulgent Genetics
Classification: Likely benign for Bardet-Biedl syndrome 2; Retinitis pigmentosa 74. Last evaluated: 2021-07-30. Review status: criteria provided, single submitter. Criteria: ACMG Guidelines, 2015. Collection method: clinical testing. Allele origin: unknown.

PreventionGenetics, part of Exact Sciences
Classification: Likely benign for BBS2-related condition. Last evaluated: 2019-10-31. Review status: no assertion criteria provided. Collection method: clinical testing. Allele origin: germline. Not counted in ClinVar's aggregate classification.
Comment: This variant is classified as likely benign based on ACMG/AMP sequence variant interpretation guidelines (Richards et al. 2015 PMID: 25741868, with internal and published modifications).

NM_031885.5(BBS2):c.941-6G>A

Gene: BBS2 (Bardet-Biedl syndrome 2; minus strand). Cytogenetic location: 16q13.
Variant type: single nucleotide variant.
Coding change: c.941-6G>A on transcript NM_031885.5 (MANE Select); 6 bases into the intron before coding-DNA position 941, G replaced by A.
Molecular consequence: intron variant.
Genome position (GRCh38, 1-based): chr16:56,502,462, C>T on the plus strand (G>A on the coding strand, the complement: BBS2 is on the minus strand). VCF-style: chr16-56502462-C-T. GRCh37 (hg19) VCF-style: chr16-56536374-C-T.
Other names: c.941-6G>A (NM_031885.3, NM_001377456.1).
Identifiers: ClinVar variation 1139300 (VCV001139300.11), dbSNP rs746397118, ClinGen allele CA8065860.